The following is an entry in ClinVar:

ClinVar aggregate classification (germline): Uncertain significance. Review status: criteria provided, multiple submitters, no conflicts (2 of 4 stars). 2 submissions from 2 submitters: Uncertain significance (2). Last evaluated 2024-08-06.

Conditions:
Charcot-Marie-Tooth disease type 2. Also called: Charcot-Marie-Tooth type 2. Identifiers: Orphanet 64746, MedGen C0270914, MONDO:0018993.
Primary dilated cardiomyopathy (DCM). Also called: Dilated Cardiomyopathy. Identifiers: Orphanet 217604, MedGen C0007193, MeSH D002311, MONDO:0005021, HP:0001644. Inheritance: Various modes of inheritance.

Allele frequency attached by ClinVar (database versions not stated): ExAC 0.00003.

Submissions (2):

All of Us Research Program, National Institutes of Health
Classification: Uncertain significance for Primary dilated cardiomyopathy. Last evaluated: 2024-08-06. Review status: criteria provided, single submitter. Criteria: ACMG Guidelines, 2015. Collection method: clinical testing. Allele origin: germline. Inheritance: Autosomal dominant inheritance. Observed: 1 variant allele, 1 heterozygote.
Comment: This study involves interpretation of variants in research participants for the purpose of population health screening. Participant phenotype was not available at the time of variant classification. Additional details can be found in publication PMID: 35346344, PMCID: PMC8962531

Labcorp Genetics (formerly Invitae), Labcorp
Classification: Uncertain significance for Charcot-Marie-Tooth disease type 2. Last evaluated: 2023-06-18. Review status: criteria provided, single submitter. Criteria: Invitae Variant Classification Sherloc (09022015). Collection method: clinical testing. Allele origin: germline.
Comment: This sequence change replaces glutamine, which is neutral and polar, with proline, which is neutral and non-polar, at codon 15 of the LMNA protein (p.Gln15Pro). This variant is not present in population databases (gnomAD no frequency). This variant has not been reported in the literature in individuals affected with LMNA-related conditions. ClinVar contains an entry for this variant (Variation ID: 1038105). Advanced modeling of protein sequence and biophysical properties (such as structural, functional, and spatial information, amino acid conservation, physicochemical variation, residue mobility, and thermodynamic stability) performed at Invitae indicates that this missense variant is expected to disrupt LMNA protein function. In summary, the available evidence is currently insufficient to determine the role of this variant in disease. Therefore, it has been classified as a Variant of Uncertain Significance.

NM_170707.4(LMNA):c.44A>C (p.Gln15Pro)

Genes: LMNA (lamin A/C; plus strand), LOC129931597 (ATAC-STARR-seq lymphoblastoid silent region 1421; plus strand). Cytogenetic location: 1q22.
Variant type: single nucleotide variant.
Coding change: c.44A>C on transcript NM_170707.4 (MANE Select); coding-DNA position 44, A replaced by C.
Protein change: p.Gln15Pro; replaces glutamine 15 with proline.
Molecular consequence: missense variant.
Genome position (GRCh38, 1-based): chr1:156,114,962, A>C. VCF-style: chr1-156114962-A-C. GRCh37 (hg19) VCF-style: chr1-156084753-A-C.
Other names: c.44A>C, p.Gln15Pro (NM_001282625.2, NM_001282626.2, NM_005572.4 and 1 more transcripts); short protein forms Q15P.
Identifiers: ClinVar variation 1038105 (VCV001038105.10), dbSNP rs748918487, ClinGen allele CA053465.